The following is an entry in ClinVar:

NM_001875.5(CPS1):c.840G>C (p.Lys280Asn)

Gene: CPS1 (carbamoyl-phosphate synthase 1; plus strand). Cytogenetic location: 2q34.
Variant type: single nucleotide variant.
Coding change: c.840G>C on transcript NM_001875.5 (MANE Select); coding-DNA position 840, G replaced by C.
Protein change: p.Lys280Asn; replaces lysine 280 with asparagine.
Molecular consequence: missense variant. On other transcripts: non-coding transcript variant (1).
Genome position (GRCh38, 1-based): chr2:210,590,234, G>C. VCF-style: chr2-210590234-G-C. GRCh37 (hg19) VCF-style: chr2-211454958-G-C.
Other names: c.840G>C, p.Lys280Asn (NM_001122633.3, NM_001369257.1); c.873G>C, p.Lys291Asn (NM_001369256.1); short protein forms K280N, K291N.
Identifiers: ClinVar variation 2418 (VCV000002418.7), dbSNP rs753751183, ClinGen allele CA350430017.
Genomic context (GRCh38, chr2:210,590,234, plus strand): 5'-GATCGCGGGAGGACCGGGGAACCCAGCTCTTGCAGAACCACTAATTCAGAATGTCAGAAA[G>C]GTGCAATGAACCTTGAATTCATGTGTATCTGTGTGGGAGGTGGGGGCTTCCGCTCTATAC-3'
Protein context (NP_001866.2, residues 270-290): LAEPLIQNVR[Lys280Asn]ILESDRKEPL

ClinVar aggregate classification (germline): Likely pathogenic. Review status: criteria provided, multiple submitters, no conflicts (2 of 4 stars). 3 submissions from 3 submitters: Likely pathogenic (2). 1 of the submissions does not count toward it. Last evaluated 2023-06-06.

Conditions:
Pulmonary hypertension, neonatal, susceptibility to (PHN). Identifiers: MedGen C3714958, MONDO:0014151, OMIM 615371.
Congenital hyperammonemia, type I. Also called: Carbamoyl-phosphate synthase I deficiency; Carbamoyl phosphate synthetase 1 deficiency; Hyperammonemia due to carbamoyl phosphate synthetase 1 deficiency; CPS 1 deficiency; Carbamyl phosphate synthetase (CPS) deficiency; CPS I DEFICIENCY. Identifiers: Orphanet 147, MedGen C4082171, MONDO:0009376, OMIM 237300.

gnomAD v4.1: 1 of 1,612,590 alleles (0.000062%); highest among the groups gnomAD compares: East Asian, 0.0022%; no homozygotes.

Submissions (3):

Baylor Genetics
Classification: Likely pathogenic for Pulmonary hypertension, neonatal, susceptibility to. Last evaluated: 2023-06-06. Review status: criteria provided, single submitter. Criteria: ACMG Guidelines, 2015. Collection method: clinical testing. Allele origin: unknown.

Labcorp Genetics (formerly Invitae), Labcorp
Classification: Likely pathogenic for Congenital hyperammonemia, type I. Last evaluated: 2022-01-04. Review status: criteria provided, single submitter. Criteria: Invitae Variant Classification Sherloc (09022015). Collection method: clinical testing. Allele origin: germline.
Comment: In summary, the currently available evidence indicates that the variant is pathogenic, but additional data are needed to prove that conclusively. Therefore, this variant has been classified as Likely Pathogenic. Variants that disrupt the consensus splice site are a relatively common cause of aberrant splicing (PMID: 17576681, 9536098). Studies have shown that this missense change results in the activation of a cryptic splice site in 8 (PMID: 8486760). Algorithms developed to predict the effect of missense changes on protein structure and function are either unavailable or do not agree on the potential impact of this missense change (SIFT: "Deleterious"; PolyPhen-2: "Possibly Damaging"; Align-GVGD: "Class C0"). This missense change has been observed in individual(s) with carbamyl phosphate synthetase I (PMID: 8486760, 11536261). In at least one individual the data is consistent with being in trans (on the opposite chromosome) from a pathogenic variant. This variant is not present in population databases (gnomAD no frequency). This sequence change replaces lysine, which is basic and polar, with asparagine, which is neutral and polar, at codon 280 of the CPS1 protein (p.Lys280Asn). RNA analysis indicates that this missense change induces altered splicing and likely results in the loss of 3 amino acid residue(s), but is expected to preserve the integrity of the reading-frame.

OMIM
Classification: Pathogenic for CARBAMOYL PHOSPHATE SYNTHETASE I DEFICIENCY. Last evaluated: 1993-05-01. Review status: no assertion criteria provided. Collection method: literature only. Allele origin: germline. Not counted in ClinVar's aggregate classification.

Literature cited by the submitters: PubMed 17576681 (cited by Labcorp Genetics (formerly Invitae), Labcorp); PubMed 9536098 (cited by Labcorp Genetics (formerly Invitae), Labcorp); PubMed 8486760 (cited by Labcorp Genetics (formerly Invitae), Labcorp and OMIM); PubMed 11536261 (cited by Labcorp Genetics (formerly Invitae), Labcorp).